The following is an entry in ClinVar:

NM_000090.4(COL3A1):c.1303G>T (p.Gly435Cys)

Gene: COL3A1 (collagen type III alpha 1 chain; plus strand). Cytogenetic location: 2q32.2.
Variant type: single nucleotide variant.
Coding change: c.1303G>T on transcript NM_000090.4 (MANE Select); coding-DNA position 1303, G replaced by T.
Protein change: p.Gly435Cys; replaces glycine 435 with cysteine.
Molecular consequence: missense variant.
Genome position (GRCh38, 1-based): chr2:188,994,550, G>T. VCF-style: chr2-188994550-G-T. GRCh37 (hg19) VCF-style: chr2-189859276-G-T.
Other names: short protein forms G435C.
Identifiers: ClinVar variation 519606 (VCV000519606.5), dbSNP rs886038952, ClinGen allele CA349851630.

ClinVar aggregate classification (germline): Likely pathogenic (1 of 4 stars; one submission).

Conditions:
Familial thoracic aortic aneurysm and aortic dissection (TAAD). Also called: Thoracic aortic aneurysms and dissections. Identifiers: Orphanet 91387, MedGen C4707243, MONDO:0019625.

Allele frequency attached by ClinVar (database versions not stated): TOPMed below 0.00001.

Submission:

Ambry Genetics
Classification: Likely pathogenic for Familial thoracic aortic aneurysm and aortic dissection. Last evaluated: 2020-07-21. Review status: criteria provided, single submitter. Criteria: Ambry Variant Classification Scheme 2023. Collection method: clinical testing. Allele origin: germline.
Comment: The p.G435C variant (also known as c.1303G>T), located in coding exon 19 of the COL3A1 gene, results from a G to T substitution at nucleotide position 1303. The glycine at codon 435 is replaced by cysteine, an amino acid with highly dissimilar properties, and is located in the triple-helical domain. The majority (approximately two-thirds) of COL3A1 mutations identified to date have involved the substitution of another amino acid for glycine within the triple-helical domain (Pepin MG et al. Genet Med. 2014;16(12):881-8; Frank M et al. Eur J Hum Genet. 2015;23(12):1657-64). Internal structural analysis indicates that this alteration disrupts the characteristic G-X-Y motif in the COL3A1 protein and inserts a bulky side chain into a sterically-constrained region (Bella J et al. Science. 1994;266:75-81; Hohenester E et al. Proc. Natl. Acad. Sci. U.S.A. 2008;105:18273-7; Ambry internal data). An alteration at the same amino acid position, p.G435D, was reported in a patient with vascular Ehlers-Danlos syndrome (Frank M et al. Eur J Hum Genet. 2015;23:1657-64). This amino acid position is highly conserved in available vertebrate species. In addition, this alteration is predicted to be deleterious by in silico analysis. Based on the majority of available evidence to date, this variant is likely to be pathogenic.

Literature cited by the submitters: PubMed 25758994.